The following is an entry in ClinVar:

ClinVar aggregate classification (germline): Uncertain significance (1 of 4 stars; one submission).

Submission:

Women's Health and Genetics/Laboratory Corporation of America, LabCorp
Classification: Uncertain significance. Last evaluated: 2023-05-26. Review status: criteria provided, single submitter. Criteria: LabCorp Variant Classification Summary - May 2015. Collection method: clinical testing. Allele origin: germline.
Comment: Variant summary: F9 c.466T>C (p.Ser156Pro) results in a non-conservative amino acid change located in the EGF-like domain (IPR000742) of the encoded protein sequence. Five of five in-silico tools predict a damaging effect of the variant on protein function. The variant was absent in 183098 control chromosomes. c.466T>C has been reported in the literature in at-least three individuals affected with severe Factor IX Deficiency (Hemophilia B) whose gender is not specified (example, Bottema_1999, Wulff_1999, Elmahmoudi_2011). These data indicate that the variant may be associated with disease. To our knowledge, no experimental evidence demonstrating an impact on protein function has been reported. The following publications have been ascertained in the context of this evaluation (PMID: 1680287, 19699296, 21118338, 10698280). No clinical diagnostic laboratories have submitted clinical-significance assessments for this variant to ClinVar after 2014. Based on the evidence outlined above, the variant was classified as VUS-possibly pathogenic.

Literature cited by the submitters: PubMed 19699296; PubMed 1680287; PubMed 21118338; PubMed 10698280.

NM_000133.4(F9):c.466T>C (p.Ser156Pro)

Gene: F9 (coagulation factor IX; plus strand). Cytogenetic location: Xq27.1.
Variant type: single nucleotide variant.
Coding change: c.466T>C on transcript NM_000133.4 (MANE Select); coding-DNA position 466, T replaced by C.
Protein change: p.Ser156Pro; replaces serine 156 with proline.
Molecular consequence: missense variant.
Genome position (GRCh38, 1-based): chrX:139,548,437, T>C. VCF-style: chrX-139548437-T-C. GRCh37 (hg19) VCF-style: chrX-138630596-T-C.
Other names: c.352T>C, p.Ser118Pro (NM_001313913.2); short protein forms S118P, S156P.
Identifiers: ClinVar variation 2506140 (VCV002506140.1), dbSNP rs2520790860, ClinGen allele CA414439145.